The following is an entry in ClinVar:

ClinVar aggregate classification (germline): Uncertain significance (1 of 4 stars; one submission).

gnomAD v4.1: 39 of 1,613,554 alleles (0.0024%); highest among the groups gnomAD compares: Non-Finnish European, 0.00051%; no homozygotes.

Submission:

Labcorp Genetics (formerly Invitae), Labcorp
Classification: Uncertain significance. Last evaluated: 2024-05-01. Review status: criteria provided, single submitter. Criteria: Invitae Variant Classification Sherloc (09022015). Collection method: clinical testing. Allele origin: germline.
Comment: This sequence change replaces proline, which is neutral and non-polar, with threonine, which is neutral and polar, at codon 680 of the SUCO protein (p.Pro680Thr). This variant is present in population databases (rs201977560, gnomAD 0.1%), and has an allele count higher than expected for a pathogenic variant. This variant has not been reported in the literature in individuals affected with SUCO-related conditions. An algorithm developed to predict the effect of missense changes on protein structure and function (PolyPhen-2) suggests that this variant is likely to be tolerated. In summary, the available evidence is currently insufficient to determine the role of this variant in disease. Therefore, it has been classified as a Variant of Uncertain Significance.

NM_014283.5(SUCO):c.2038C>A (p.Pro680Thr)

Gene: SUCO (SUN domain containing ossification factor; plus strand). Cytogenetic location: 1q24.3.
Variant type: single nucleotide variant.
Coding change: c.2038C>A on transcript NM_014283.5 (MANE Select); coding-DNA position 2038, C replaced by A.
Protein change: p.Pro680Thr; replaces proline 680 with threonine.
Molecular consequence: missense variant. On other transcripts: intron variant (1).
Genome position (GRCh38, 1-based): chr1:172,589,139, C>A. VCF-style: chr1-172589139-C-A. GRCh37 (hg19) VCF-style: chr1-172558279-C-A.
Other names: c.349C>A, p.Pro117Thr (NM_001282751.2); c.2491C>A, p.Pro831Thr (NM_016227.4); c.1712+215C>A (NM_001282750.2); short protein forms P680T, P117T, P831T.
Identifiers: ClinVar variation 3656056 (VCV003656056.2).